The following is an entry in ClinVar:

NM_001082486.2(ACD):c.100-7C>G

Gene: ACD (ACD shelterin complex subunit and telomerase recruitment factor; minus strand). Cytogenetic location: 16q22.1.
Variant type: single nucleotide variant.
Coding change: c.100-7C>G on transcript NM_001082486.2 (MANE Select); 7 bases into the intron before coding-DNA position 100, C replaced by G.
Molecular consequence: intron variant.
Genome position (GRCh38, 1-based): chr16:67,660,052, G>C on the plus strand (C>G on the coding strand, the complement: ACD is on the minus strand). VCF-style: chr16-67660052-G-C. GRCh37 (hg19) VCF-style: chr16-67693955-G-C.
Other names: c.100-16C>G (NM_022914.3).
Identifiers: ClinVar variation 1443906 (VCV001443906.6), dbSNP rs774058030, ClinGen allele CA8114819.

ClinVar aggregate classification (germline): Uncertain significance (1 of 4 stars; one submission).

Conditions:
Dyskeratosis congenita, autosomal dominant 6 (DKCA6). Identifiers: Orphanet 3322, MedGen C4225284, MONDO:0014690, OMIM 616553.

Allele frequency attached by ClinVar (database versions not stated): ExAC 0.00002; gnomAD exomes 0.00002 and 0.00003; gnomAD 0.00005; TOPMed 0.00005.

Submission:

Labcorp Genetics (formerly Invitae), Labcorp
Classification: Uncertain significance for Dyskeratosis congenita, autosomal dominant 6. Last evaluated: 2025-12-23. Review status: criteria provided, single submitter. Criteria: Invitae Variant Classification Sherloc (09022015). Collection method: clinical testing. Allele origin: germline.
Comment: This sequence change falls in intron 1 of the ACD gene. It does not directly change the encoded amino acid sequence of the ACD protein. This variant is present in population databases (rs774058030, gnomAD 0.003%). This variant has not been reported in the literature in individuals affected with ACD-related conditions. ClinVar contains an entry for this variant (Variation ID: 1443906). Algorithms developed to predict the effect of sequence changes on RNA splicing suggest that this variant may disrupt the consensus splice site. In summary, the available evidence is currently insufficient to determine the role of this variant in disease. Therefore, it has been classified as a Variant of Uncertain Significance.